The following is an entry in ClinVar:

NM_001035.3(RYR2):c.10974T>C (p.Thr3658=)

Gene: RYR2 (ryanodine receptor 2; plus strand). Cytogenetic location: 1q43.
Variant type: single nucleotide variant.
Coding change: c.10974T>C on transcript NM_001035.3 (MANE Select); coding-DNA position 10974, T replaced by C.
Protein change: p.Thr3658=; no amino-acid change (threonine 3658 retained).
Molecular consequence: synonymous variant.
Genome position (GRCh38, 1-based): chr1:237,732,084, T>C. VCF-style: chr1-237732084-T-C. GRCh37 (hg19) VCF-style: chr1-237895384-T-C.
Identifiers: ClinVar variation 1081836 (VCV001081836.13), dbSNP rs2149168019, ClinGen allele CA423821016.

ClinVar aggregate classification (germline): Likely benign. Review status: criteria provided, multiple submitters, no conflicts (2 of 4 stars). 3 submissions from 3 submitters: Likely benign (3). Last evaluated 2023-08-15.

Conditions:
Cardiomyopathy (CMYO). Also called: Cardiomyopathies. Identifiers: Orphanet 167848, MedGen C0878544, MONDO:0004994, HP:0001638. Inheritance: Various modes of inheritance.
Catecholaminergic polymorphic ventricular tachycardia (CVPT). Also called: Catecholamine-induced polymorphic ventricular tachycardia. Identifiers: Orphanet 3286, MedGen C5574922, MONDO:0017990.
Catecholaminergic polymorphic ventricular tachycardia 1. Also called: VENTRICULAR TACHYCARDIA, CATECHOLAMINERGIC POLYMORPHIC, 1, WITH OR WITHOUT ATRIAL DYSFUNCTION AND/OR DILATED CARDIOMYOPATHY; VENTRICULAR TACHYCARDIA, STRESS-INDUCED POLYMORPHIC 1; RYR2-Related Catecholaminergic Polymorphic Ventricular Tachycardia. Identifiers: Orphanet 3286, MedGen C1631597, MONDO:0011484, OMIM 604772.

gnomAD v4.1: 1 of 1,611,640 alleles (0.000062%); highest among the groups gnomAD compares: Non-Finnish European, 0.000085%; no homozygotes.

Submissions (3):

All of Us Research Program, National Institutes of Health
Classification: Likely benign for Catecholaminergic polymorphic ventricular tachycardia. Last evaluated: 2023-08-15. Review status: criteria provided, single submitter. Criteria: ACMG Guidelines, 2015. Collection method: clinical testing. Allele origin: germline. Inheritance: Autosomal dominant inheritance. Observed: 1 variant allele, 1 heterozygote.
Comment: This study involves interpretation of variants in research participants for the purpose of population health screening. Participant phenotype was not available at the time of variant classification. Additional details can be found in publication PMID: 35346344, PMCID: PMC8962531

Labcorp Genetics (formerly Invitae), Labcorp
Classification: Likely benign for Catecholaminergic polymorphic ventricular tachycardia 1. Last evaluated: 2021-08-23. Review status: criteria provided, single submitter. Criteria: Invitae Variant Classification Sherloc (09022015). Collection method: clinical testing. Allele origin: germline.

Color Diagnostics, LLC DBA Color Health
Classification: Likely benign for Cardiomyopathy. Last evaluated: 2021-04-06. Review status: criteria provided, single submitter. Criteria: ACMG Guidelines, 2015. Collection method: clinical testing. Allele origin: germline.